The following is an entry in ClinVar:

NM_001159773.2(CANT1):c.1014G>A (p.Val338=)

Gene: CANT1 (calcium activated nucleotidase 1; minus strand). Cytogenetic location: 17q25.3.
Variant type: single nucleotide variant.
Coding change: c.1014G>A on transcript NM_001159773.2 (MANE Select); coding-DNA position 1014, G replaced by A.
Protein change: p.Val338=; no amino-acid change (valine 338 retained).
Molecular consequence: synonymous variant.
Genome position (GRCh38, 1-based): chr17:78,993,742, C>T on the plus strand (G>A on the coding strand, the complement: CANT1 is on the minus strand). VCF-style: chr17-78993742-C-T. GRCh37 (hg19) VCF-style: chr17-76989824-C-T.
Other names: c.1014G>A, p.Val338= (NM_001159772.2, NM_138793.4); c.1014G>A (NM_138793.3).
Identifiers: ClinVar variation 1636709 (VCV001636709.11), dbSNP rs145472081, ClinGen allele CA8808538.

ClinVar aggregate classification (germline): Benign/Likely benign. Review status: criteria provided, multiple submitters, no conflicts (2 of 4 stars). 3 submissions from 3 submitters: Benign (1); Likely benign (1). 1 of the submissions does not count toward it. Last evaluated 2026-01-03.

Conditions:
CANT1-related disorder. Also called: CANT1-related condition.

Allele frequency attached by ClinVar (database versions not stated): gnomAD exomes 0.00013; ExAC 0.00015; 1000 Genomes Project 30x 0.00031; 1000 Genomes Project 0.00040; ESP Exome Variant Server 0.00054; gnomAD 0.00072; TOPMed 0.00077.
gnomAD v4.1: 187 of 1,613,888 alleles (0.012%); highest among the groups gnomAD compares: African/African-American, 0.24%; no homozygotes.

Submissions (3):

Labcorp Genetics (formerly Invitae), Labcorp
Classification: Benign. Last evaluated: 2026-01-03. Review status: criteria provided, single submitter. Criteria: Invitae Variant Classification Sherloc (09022015). Collection method: clinical testing. Allele origin: germline.

Blueprint Genetics
Classification: Likely benign. Last evaluated: 2024-07-05. Review status: criteria provided, single submitter. Criteria: ACMG Guidelines, 2015. Collection method: clinical testing. Allele origin: germline.

PreventionGenetics, part of Exact Sciences
Classification: Likely benign for CANT1-related condition. Last evaluated: 2021-03-11. Review status: no assertion criteria provided. Collection method: clinical testing. Allele origin: germline. Not counted in ClinVar's aggregate classification.
Comment: This variant is classified as likely benign based on ACMG/AMP sequence variant interpretation guidelines (Richards et al. 2015 PMID: 25741868, with internal and published modifications).